The following is an entry in ClinVar:

ClinVar aggregate classification (germline): Conflicting classifications of pathogenicity. Review status: criteria provided, conflicting classifications (1 of 4 stars). 3 submissions from 2 submitters: Uncertain significance (2); Likely benign (1). Last evaluated 2024-08-14.

Conditions:
Inborn genetic diseases. Identifiers: MedGen C0950123, MeSH D030342.
Sacral defect with anterior meningocele. Identifiers: MedGen C1838568, OMIM 600145.
Neural tube defect (NTD). Also called: Neural tube defects. Identifiers: Orphanet 3388, Orphanet 823, MedGen C0027794, MONDO:0018075, HP:0045005.

Allele frequency attached by ClinVar (database versions not stated): gnomAD exomes 0.00016; ExAC 0.00017; gnomAD 0.00020 and 0.00021; TOPMed 0.00023; ESP Exome Variant Server 0.00038.
gnomAD v4.1: 621 of 1,613,872 alleles (0.038%); highest among the groups gnomAD compares: Non-Finnish European, 0.051%; no homozygotes.

Submissions (3):

Ambry Genetics
Classification: Uncertain significance for Inborn genetic diseases. Last evaluated: 2024-08-14. Review status: criteria provided, single submitter. Criteria: Ambry Variant Classification Scheme 2023. Collection method: clinical testing. Allele origin: germline.

Illumina Laboratory Services, Illumina
Classification: Uncertain significance for Neural tube defects, susceptibility to. Last evaluated: 2018-01-13. Review status: criteria provided, single submitter. Criteria: ICSL Variant Classification Criteria 13 December 2019. Collection method: clinical testing. Allele origin: germline.

Illumina Laboratory Services, Illumina
Classification: Likely benign for Sacral defect with anterior meningocele. Last evaluated: 2018-01-13. Review status: criteria provided, single submitter. Criteria: ICSL Variant Classification Criteria 13 December 2019. Collection method: clinical testing. Allele origin: germline.
Comment: This variant was observed in the ICSL laboratory as part of a predisposition screen in an ostensibly healthy population. It had not been previously curated by ICSL or reported in the Human Gene Mutation Database (HGMD: prior to June 1st, 2018), and was therefore a candidate for classification through an automated scoring system. Utilizing variant allele frequency, disease prevalence and penetrance estimates, and inheritance mode, an automated score was calculated to assess if this variant is too frequent to cause the disease. Based on the score and internal cut-off values, a variant classified as likely benign is not then subjected to further curation. The score for this variant resulted in a classification of likely benign for this disease.

NM_138959.3(VANGL1):c.1172G>T (p.Arg391Met)

Gene: VANGL1 (VANGL planar cell polarity protein 1; plus strand). Cytogenetic location: 1p13.1.
Variant type: single nucleotide variant.
Coding change: c.1172G>T on transcript NM_138959.3 (MANE Select); coding-DNA position 1172, G replaced by T.
Protein change: p.Arg391Met; replaces arginine 391 with methionine.
Molecular consequence: missense variant.
Genome position (GRCh38, 1-based): chr1:115,685,385, G>T. VCF-style: chr1-115685385-G-T. GRCh37 (hg19) VCF-style: chr1-116228006-G-T.
Other names: c.1166G>T, p.Arg389Met (NM_001172411.2); c.1172G>T, p.Arg391Met (NM_001172412.2); short protein forms R391M, R389M.
Identifiers: ClinVar variation 292013 (VCV000292013.8), dbSNP rs140485834, ClinGen allele CA1023470.